The following is an entry in ClinVar:

ClinVar aggregate classification (germline): Pathogenic/Likely pathogenic. Review status: criteria provided, multiple submitters, no conflicts (2 of 4 stars). 2 submissions from 2 submitters: Pathogenic (1); Likely pathogenic (1). Last evaluated 2026-05-07.

Conditions:
Autosomal dominant hypocalcemia 1 (HYPOC1). Also called: HYPOCALCEMIA, FAMILIAL. Identifiers: MedGen C3715128, MONDO:0011013, OMIM 601198.
Nephrolithiasis/nephrocalcinosis. Identifiers: MedGen CN580796.

Submissions (2):

Genetics Department, Polish Mother's Memorial Hospital Research Institute
Classification: Pathogenic for Autosomal dominant hypocalcemia 1. Last evaluated: 2026-05-07. Review status: criteria provided, single submitter. Criteria: ACMG Guidelines, 2015. Collection method: clinical testing. Allele origin: de novo. Inheritance: Autosomal dominant inheritance. Affected: yes. Observed: 1 variant allele, 1 heterozygote.
Comment: ACMG Guidelines Evidence: PS3, PM1, PM2, PP2, PP3, PP5. Variant was previously reported in a patient with hypocalcemia (Letz, 2014), submitted to ClinVar (ID: 3263506), is absent from population databases and listed in CASRdb as an activating variant associated with ADH1 (Charoenngam, 2025). The variant causes a missense substitution for alanine at position p.835, which is highly conserved and located within the functionally important transmembrane domain 7, specifically extracellular loop 3 of the 7TMD, a known hotspot for activating ADH1 mutations (Hu, 2007). Variants in this region are thought to stabilize the CaSR in its active conformation (D'Souza-Li, 2002). Functional studies of substitutions of the same amino acid alanine in position 835 with threonine or aspartic acid (p.Ala835Thr or p.Ala835Asp) have demonstrated activation of cytosolic calcium signaling at subphysiological extracellular calcium concentrations (Letz, 2014; D'Souza-Li, 2002). In silico prediction tools unanimously support a deleterious effect on the gene. Recently, Harada and Namba reported additional cases involving the same p.Ala835Asp CASR variant in two sisters presenting with earlyonset hypocalcemia, seizures, and nephrocalcinosis despite conventionaltherapy.

Ambry Genetics
Classification: Likely pathogenic for Nephrolithiasis/nephrocalcinosis. Last evaluated: 2024-06-13. Review status: criteria provided, single submitter. Criteria: Ambry Variant Classification Scheme 2023. Collection method: clinical testing. Allele origin: germline.
Comment: The c.2504C>A (p.A835D) alteration is located in exon 7 (coding exon 6) of the CASR gene. This alteration results from a C to A substitution at nucleotide position 2504, causing the alanine (A) at amino acid position 835 to be replaced by an aspartic acid (D). Based on the available evidence, the CASR c.2504C>A (p.A835D) alteration is classified as likely pathogenic for autosomal dominant CASR-related hypocalcemia; however, it is unlikely to be causative of autosomal recessive neonatal hyperparathyroidism and autosomal dominant hypocalciuric hypercalcemia. This variant was not reported in population-based cohorts in the Genome Aggregation Database (gnomAD). This variant was reported in an individual with features consistent with CASR-related hypocalcemia (Letz, 2014). This amino acid position is highly conserved in available vertebrate species. Based on internal structural analysis, A835D is more disruptive to the structure of CASR than a nearby internally pathogenic variant (Gao, 2021). Functional studies indicate this alteration increases sensitivity to extracellular calcium (Letz, 2014). This alteration is predicted to be deleterious by in silico analysis. Based on the available evidence, this alteration is classified as likely pathogenic.

Literature cited by the submitters: DOI 10.1371/ journal.pone.0115178 (cited by Genetics Department, Polish Mother's Memorial Hospital Research Institute); DOI 10.1111/j.1582-4934.2007.00096.x (cited by Genetics Department, Polish Mother's Memorial Hospital Research Institute); DOI 10.1210/jcem.87.3.8280 (cited by Genetics Department, Polish Mother's Memorial Hospital Research Institute); DOI 10.1210/clinem/dgae769 (cited by Genetics Department, Polish Mother's Memorial Hospital Research Institute); PubMed 25506941 (cited by Ambry Genetics); PubMed 34194040 (cited by Ambry Genetics).

NM_000388.4(CASR):c.2504C>A (p.Ala835Asp)

Gene: CASR (calcium sensing receptor; plus strand). Cytogenetic location: 3q21.1.
Variant type: single nucleotide variant.
Coding change: c.2504C>A on transcript NM_000388.4 (MANE Select); coding-DNA position 2504, C replaced by A.
Protein change: p.Ala835Asp; replaces alanine 835 with aspartic acid.
Molecular consequence: missense variant.
Genome position (GRCh38, 1-based): chr3:122,284,458, C>A. VCF-style: chr3-122284458-C-A. GRCh37 (hg19) VCF-style: chr3-122003305-C-A.
Other names: c.2534C>A, p.Ala845Asp (NM_001178065.2); short protein forms A845D, A835D.
Identifiers: ClinVar variation 3263506 (VCV003263506.1).